The following is an entry in ClinVar:

NM_145117.5(NAV2):c.6580del (p.Tyr2193_Ile2194insTer)

Gene: NAV2 (neuron navigator 2; plus strand). Cytogenetic location: 11p15.1.
Variant type: Deletion.
Coding change: c.6580del on transcript NM_145117.5 (MANE Select); coding-DNA position 6580, one base deleted (A; older notation c.6580delA).
Protein change: p.Tyr2193_Ile2194insTer.
Molecular consequence: nonsense.
Genome position (GRCh38, 1-based): chr11:20,103,660, A deleted. VCF-style (leftmost placement, unchanged base first): chr11-20103659-CA-C. GRCh37 (hg19) VCF-style: chr11-20125205-CA-C.
Other names: p.Ile2253*; c.6388del, p.Tyr2129_Ile2130insTer (NM_001111018.2); c.3772del, p.Tyr1257_Ile1258insTer (NM_001111019.3); c.6757del, p.Tyr2252_Ile2253insTer (NM_001244963.2); c.6589del, p.Tyr2196_Ile2197insTer (NM_182964.6); c.6757delA (NM_001244963.2).
Identifiers: ClinVar variation 1690645 (VCV001690645.4), dbSNP rs2153703273, ClinGen allele CA2573146125.

ClinVar aggregate classification (germline): Uncertain significance (1 of 4 stars; one submission).

Conditions:
NAV2-related neurodevelopmental condition.

Submission:

Undiagnosed Diseases Network, NIH
Classification: Uncertain significance for NAV2-related neurodevelopmental condition. Last evaluated: 2018-02-06. Review status: criteria provided, single submitter. Criteria: ACMG Guidelines, 2015. Collection method: clinical testing. Allele origin: paternal. Inheritance: Autosomal recessive inheritance. Affected: yes. Observed: 1 variant allele, 1 compound heterozygote. Study: Undiagnosed Diseases Network (NIH), UDN.